The following continues an entry in ClinVar:

NM_000064.4(C3):c.2430G>A (p.Ser810=)

Gene: C3. ClinVar aggregate classification (germline): Benign/Likely benign. Benign (9); Likely benign (1).

Submissions 31 to 42 of 42:

Dr. Peter K. Rogan Lab, Western University
No classification provided (evidence only). Condition: Hepatocellular carcinoma. Review status: no classification provided. Collection method: in vitro. Allele origin: not applicable. Functional consequence: retained intron. Not counted in ClinVar's aggregate classification.

Dr. Peter K. Rogan Lab, Western University
No classification provided (evidence only). Condition: Hepatocellular carcinoma. Review status: no classification provided. Collection method: in vitro. Allele origin: not applicable. Functional consequence: retained intron. Not counted in ClinVar's aggregate classification.

Dr. Peter K. Rogan Lab, Western University
No classification provided (evidence only). Condition: Hepatocellular carcinoma. Review status: no classification provided. Collection method: in vitro. Allele origin: not applicable. Functional consequence: retained intron. Not counted in ClinVar's aggregate classification.

Dr. Peter K. Rogan Lab, Western University
No classification provided (evidence only). Condition: Hepatocellular carcinoma. Review status: no classification provided. Collection method: in vitro. Allele origin: not applicable. Functional consequence: retained intron. Not counted in ClinVar's aggregate classification.

Dr. Peter K. Rogan Lab, Western University
No classification provided (evidence only). Condition: Hepatocellular carcinoma. Review status: no classification provided. Collection method: in vitro. Allele origin: not applicable. Functional consequence: retained intron. Not counted in ClinVar's aggregate classification.

Dr. Peter K. Rogan Lab, Western University
No classification provided (evidence only). Condition: Hepatocellular carcinoma. Review status: no classification provided. Collection method: in vitro. Allele origin: not applicable. Functional consequence: retained intron. Not counted in ClinVar's aggregate classification.

Dr. Peter K. Rogan Lab, Western University
No classification provided (evidence only). Condition: Thymoma. Review status: no classification provided. Collection method: in vitro. Allele origin: not applicable. Functional consequence: retained intron. Not counted in ClinVar's aggregate classification.

Dr. Peter K. Rogan Lab, Western University
No classification provided (evidence only). Condition: Cholangiocarcinoma. Review status: no classification provided. Collection method: in vitro. Allele origin: not applicable. Functional consequence: retained intron. Not counted in ClinVar's aggregate classification.

Dr. Peter K. Rogan Lab, Western University
No classification provided (evidence only). Condition: Ovarian serous cystadenocarcinoma. Review status: no classification provided. Collection method: in vitro. Allele origin: not applicable. Functional consequence: retained intron. Not counted in ClinVar's aggregate classification.

Dr. Peter K. Rogan Lab, Western University
No classification provided (evidence only). Condition: Gastric cancer. Review status: no classification provided. Collection method: in vitro. Allele origin: not applicable. Functional consequence: retained intron. Not counted in ClinVar's aggregate classification.

Dr. Peter K. Rogan Lab, Western University
No classification provided (evidence only). Condition: Adrenocortical carcinoma, hereditary. Review status: no classification provided. Collection method: in vitro. Allele origin: not applicable. Functional consequence: retained intron. Not counted in ClinVar's aggregate classification.

Dr. Peter K. Rogan Lab, Western University
No classification provided (evidence only). Condition: Uterine carcinosarcoma. Review status: no classification provided. Collection method: in vitro. Allele origin: not applicable. Functional consequence: retained intron. Not counted in ClinVar's aggregate classification.